The following is an entry in ClinVar:

NM_001323289.2(CDKL5):c.419A>G (p.Asn140Ser)

Gene: CDKL5 (cyclin dependent kinase like 5; plus strand). Cytogenetic location: Xp22.13.
Variant type: single nucleotide variant.
Coding change: c.419A>G on transcript NM_001323289.2 (MANE Select); coding-DNA position 419, A replaced by G.
Protein change: p.Asn140Ser; replaces asparagine 140 with serine.
Molecular consequence: missense variant.
Genome position (GRCh38, 1-based): chrX:18,581,906, A>G. VCF-style: chrX-18581906-A-G. GRCh37 (hg19) VCF-style: chrX-18600026-A-G.
Other names: c.419A>G, p.Asn140Ser (NM_001037343.2, NM_003159.3); short protein forms N140S.
Identifiers: ClinVar variation 392860 (VCV000392860.2), dbSNP rs1057524663, ClinGen allele CA16608355.
Genomic context (GRCh38, chrX:18,581,906, plus strand): 5'-ACATAGAACATTTTTACTAATTTTTTTTTTATCTTGACACTCCAGATATAAAACCAGAAA[A>G]TCTCTTAATCAGCCACAATGATGTCCTAAAACTGTGTGACTTTGGTAAGTTAAAAAGAAA-3'
Protein context (NP_001310218.1, residues 130-150): DIVHRDIKPE[Asn140Ser]LLISHNDVLK

ClinVar aggregate classification (germline): Pathogenic (1 of 4 stars; one submission).

Submission:

GeneDx
Classification: Pathogenic. Last evaluated: 2017-02-03. Review status: criteria provided, single submitter. Criteria: GeneDx Variant Classification (06012015). Collection method: clinical testing. Allele origin: germline. Affected: yes.
Comment: The N140S variant in the CDKL5 gene has not been reported previously as a pathogenic variant, nor as a benign variant, to our knowledge. The N140S variant is not observed in large population cohorts (Lek et al., 2016; 1000 Genomes Consortium et al., 2015; Exome Variant Server). The N140S variant is a conservative amino acid substitution, which occurs at a position in a catalytic domain that is conserved across species. In addition, in silico analysis predicts this variant is probably damaging to the protein structure/function. We interpret N140S as a pathogenic variant.